The following is an entry in ClinVar:

NM_024675.4(PALB2):c.1344T>G (p.Ser448Arg)

Gene: PALB2 (partner and localizer of BRCA2; minus strand). Cytogenetic location: 16p12.2.
Variant type: single nucleotide variant.
Coding change: c.1344T>G on transcript NM_024675.4 (MANE Select); coding-DNA position 1344, T replaced by G.
Protein change: p.Ser448Arg; replaces serine 448 with arginine.
Molecular consequence: missense variant.
Genome position (GRCh38, 1-based): chr16:23,635,202, A>C on the plus strand (T>G on the coding strand, the complement: PALB2 is on the minus strand). VCF-style: chr16-23635202-A-C. GRCh37 (hg19) VCF-style: chr16-23646523-A-C.
Other names: c.1344T>G (NM_024675.3); short protein forms S448R.
Identifiers: ClinVar variation 1362033 (VCV001362033.11), dbSNP rs1452869606, ClinGen allele CA395132213.

ClinVar aggregate classification (germline): Uncertain significance. Review status: criteria provided, multiple submitters, no conflicts (2 of 4 stars). 3 submissions from 3 submitters: Uncertain significance (3). Last evaluated 2024-07-19.

Conditions:
Familial cancer of breast. Also called: BREAST CANCER, FAMILIAL; hereditary breast carcinoma; Hereditary breast cancer. Identifiers: Orphanet 227535, MedGen C0346153, MONDO:0016419, OMIM 114480. Disease mechanism: loss of function.
Hereditary cancer-predisposing syndrome. Also called: Hereditary neoplastic syndrome; Hereditary Cancer Syndrome; Tumor predisposition; Neoplastic Syndromes, Hereditary. Identifiers: Orphanet 140162, MedGen C0027672, MeSH D009386, MONDO:0015356.

Allele frequency attached by ClinVar (database versions not stated): TOPMed below 0.00001.

Submissions (3):

Blueprint Genetics
Classification: Uncertain significance. Last evaluated: 2024-07-19. Review status: criteria provided, single submitter. Criteria: ACMG Guidelines, 2015. Collection method: clinical testing. Allele origin: germline.

Ambry Genetics
Classification: Uncertain significance for Hereditary cancer-predisposing syndrome. Last evaluated: 2023-06-24. Review status: criteria provided, single submitter. Criteria: Ambry Variant Classification Scheme 2023. Collection method: clinical testing. Allele origin: germline.
Comment: The p.S448R variant (also known as c.1344T>G), located in coding exon 4 of the PALB2 gene, results from a T to G substitution at nucleotide position 1344. The serine at codon 448 is replaced by arginine, an amino acid with dissimilar properties. This amino acid position is conserved. In addition, this alteration is predicted to be tolerated by in silico analysis. Since supporting evidence is limited at this time, the clinical significance of this alteration remains unclear.

Labcorp Genetics (formerly Invitae), Labcorp
Classification: Uncertain significance for Familial cancer of breast. Last evaluated: 2021-07-09. Review status: criteria provided, single submitter. Criteria: Invitae Variant Classification Sherloc (09022015). Collection method: clinical testing. Allele origin: germline.
Comment: This variant has not been reported in the literature in individuals affected with PALB2-related conditions. This sequence change replaces serine with arginine at codon 448 of the PALB2 protein (p.Ser448Arg). The serine residue is weakly conserved and there is a moderate physicochemical difference between serine and arginine. This variant is not present in population databases (ExAC no frequency). Algorithms developed to predict the effect of missense changes on protein structure and function (SIFT, PolyPhen-2, Align-GVGD) all suggest that this variant is likely to be tolerated. In summary, the available evidence is currently insufficient to determine the role of this variant in disease. Therefore, it has been classified as a Variant of Uncertain Significance.